The following is an entry in ClinVar:

ClinVar aggregate classification (germline): Uncertain significance (1 of 4 stars; one submission).

Conditions:
Developmental and epileptic encephalopathy, 11 (DEE11). Also called: Early infantile epileptic encephalopathy 11. Identifiers: Orphanet 1934, MedGen C3150987, MONDO:0013388, OMIM 613721.
Seizures, benign familial infantile, 3 (BFIS3). Also called: Familial neonatal seizures; CONVULSIONS, BENIGN FAMILIAL INFANTILE, 3. Identifiers: Orphanet 140927, Orphanet 306, MedGen C1843140, MONDO:0011904, OMIM 607745.

Submission:

Labcorp Genetics (formerly Invitae), Labcorp
Classification: Uncertain significance for Seizures, benign familial infantile, 3; Developmental and epileptic encephalopathy, 11. Last evaluated: 2025-11-19. Review status: criteria provided, single submitter. Criteria: Invitae Variant Classification Sherloc (09022015). Collection method: clinical testing. Allele origin: germline.
Comment: This sequence change replaces valine, which is neutral and non-polar, with isoleucine, which is neutral and non-polar, at codon 1408 of the SCN2A protein (p.Val1408Ile). The frequency data for this variant in the population databases is considered unreliable, as metrics indicate poor data quality at this position in the gnomAD database. This variant has not been reported in the literature in individuals affected with SCN2A-related conditions. ClinVar contains an entry for this variant (Variation ID: 3761098). Invitae Evidence Modeling of protein sequence and biophysical properties (such as structural, functional, and spatial information, amino acid conservation, physicochemical variation, residue mobility, and thermodynamic stability) indicates that this missense variant is expected to disrupt SCN2A protein function with a positive predictive value of 95%. This variant disrupts the p.Val1408 amino acid residue in SCN2A. Other variant(s) that disrupt this residue have been determined to be pathogenic (internal data). This suggests that this residue is clinically significant, and that variants that disrupt this residue are likely to be disease-causing. In summary, the available evidence is currently insufficient to determine the role of this variant in disease. Therefore, it has been classified as a Variant of Uncertain Significance.

NM_001040142.2(SCN2A):c.4222G>A (p.Val1408Ile)

Gene: SCN2A (sodium voltage-gated channel alpha subunit 2; plus strand). Cytogenetic location: 2q24.3.
Variant type: single nucleotide variant.
Coding change: c.4222G>A on transcript NM_001040142.2 (MANE Select); coding-DNA position 4222, G replaced by A.
Protein change: p.Val1408Ile; replaces valine 1408 with isoleucine.
Molecular consequence: missense variant.
Genome position (GRCh38, 1-based): chr2:165,374,934, G>A. VCF-style: chr2-165374934-G-A. GRCh37 (hg19) VCF-style: chr2-166231444-G-A.
Other names: c.4222G>A, p.Val1408Ile (NM_001040143.2, NM_001371246.1, NM_001371247.1 and 1 more transcripts); short protein forms V1408I.
Identifiers: ClinVar variation 3761098 (VCV003761098.2).